The following is an entry in ClinVar:

NM_001972.4(ELANE):c.232C>A (p.Arg78Ser)

Gene: ELANE (elastase, neutrophil expressed; plus strand). Cytogenetic location: 19p13.3.
Variant type: single nucleotide variant.
Coding change: c.232C>A on transcript NM_001972.4 (MANE Select); coding-DNA position 232, C replaced by A.
Protein change: p.Arg78Ser; replaces arginine 78 with serine.
Molecular consequence: missense variant.
Genome position (GRCh38, 1-based): chr19:853,269, C>A. VCF-style: chr19-853269-C-A. GRCh37 (hg19) VCF-style: chr19-853269-C-A.
Other names: short protein forms R78S.
Identifiers: ClinVar variation 3844268 (VCV003844268.2).

ClinVar aggregate classification (germline): Uncertain significance. Review status: criteria provided, multiple submitters, no conflicts (2 of 4 stars). 2 submissions from 2 submitters: Uncertain significance (2). Last evaluated 2026-02-01.

Conditions:
Inborn genetic diseases. Identifiers: MedGen C0950123, MeSH D030342.
Cyclical neutropenia. Also called: Cyclic hematopoiesis; Cyclic Neutropenia. Identifiers: Orphanet 2686, MedGen C0221023, MONDO:0008090, OMIM 162800, HP:0040289. Disease mechanism: loss of function.
Neutropenia, severe congenital, 1, autosomal dominant. Identifiers: MedGen C1859966, MONDO:0042490, OMIM 202700.

gnomAD v4.1: 1 of 1,602,078 alleles (0.000062%); highest among the groups gnomAD compares: Non-Finnish European, 0.000085%; no homozygotes.

Submissions (2):

Labcorp Genetics (formerly Invitae), Labcorp
Classification: Uncertain significance for Neutropenia, severe congenital, 1, autosomal dominant; Cyclical neutropenia. Last evaluated: 2026-02-01. Review status: criteria provided, single submitter. Criteria: Invitae Variant Classification Sherloc (09022015). Collection method: clinical testing. Allele origin: germline.
Comment: This sequence change replaces arginine, which is basic and polar, with serine, which is neutral and polar, at codon 78 of the ELANE protein (p.Arg78Ser). This variant is not present in population databases (gnomAD no frequency). This variant has not been reported in the literature in individuals affected with ELANE-related conditions. ClinVar contains an entry for this variant (Variation ID: 3844268). Invitae Evidence Modeling of protein sequence and biophysical properties (such as structural, functional, and spatial information, amino acid conservation, physicochemical variation, residue mobility, and thermodynamic stability) indicates that this missense variant is not expected to disrupt ELANE protein function with a negative predictive value of 95%. In summary, the available evidence is currently insufficient to determine the role of this variant in disease. Therefore, it has been classified as a Variant of Uncertain Significance.

Ambry Genetics
Classification: Uncertain significance for Inborn genetic diseases. Last evaluated: 2024-12-12. Review status: criteria provided, single submitter. Criteria: Ambry Variant Classification Scheme 2023. Collection method: clinical testing. Allele origin: germline.
Comment: The p.R78S variant (also known as c.232C>A), located in coding exon 3 of the ELANE gene, results from a C to A substitution at nucleotide position 232. The arginine at codon 78 is replaced by serine, an amino acid with dissimilar properties. This amino acid position is conserved. In addition, the in silico prediction for this alteration is inconclusive. Based on the available evidence, the clinical significance of this variant remains unclear.